The following is an entry in ClinVar:

NM_001365951.3(KIF1B):c.3565A>T (p.Ile1189Phe)

Gene: KIF1B (kinesin family member 1B; plus strand). Cytogenetic location: 1p36.22.
Variant type: single nucleotide variant.
Coding change: c.3565A>T on transcript NM_001365951.3 (MANE Select); coding-DNA position 3565, A replaced by T.
Protein change: p.Ile1189Phe; replaces isoleucine 1189 with phenylalanine.
Molecular consequence: missense variant.
Genome position (GRCh38, 1-based): chr1:10,342,101, A>T. VCF-style: chr1-10342101-A-T. GRCh37 (hg19) VCF-style: chr1-10402159-A-T.
Other names: c.3565A>T, p.Ile1189Phe (NM_001365952.1); c.3427A>T, p.Ile1143Phe (NM_015074.3); short protein forms I1143F, I1189F.
Identifiers: ClinVar variation 3226458 (VCV003226458.1), dbSNP rs190481457, ClinGen allele CA338341711.

ClinVar aggregate classification (germline): Uncertain significance (1 of 4 stars; one submission).

gnomAD v4.1: 1 of 1,613,884 alleles (0.000062%); highest among the groups gnomAD compares: South Asian, 0.0011%; no homozygotes.

Submission:

Ambry Genetics
Classification: Uncertain significance. Last evaluated: 2024-01-03. Review status: criteria provided, single submitter. Criteria: Ambry Variant Classification Scheme 2023. Collection method: clinical testing. Allele origin: germline.
Comment: The p.I1143F variant (also known as c.3427A>T), located in coding exon 30 of the KIF1B gene, results from an A to T substitution at nucleotide position 3427. The isoleucine at codon 1143 is replaced by phenylalanine, an amino acid with highly similar properties. This amino acid position is conserved. In addition, this alteration is predicted to be deleterious by in silico analysis. Since supporting evidence is limited at this time, the clinical significance of this alteration remains unclear.